The following is an entry in ClinVar:

NM_000059.4(BRCA2):c.8299C>T (p.Pro2767Ser)

Gene: BRCA2 (BRCA2 DNA repair associated; plus strand). Cytogenetic location: 13q13.1.
Variant type: single nucleotide variant.
Coding change: c.8299C>T on transcript NM_000059.4 (MANE Select); coding-DNA position 8299, C replaced by T.
Protein change: p.Pro2767Ser; replaces proline 2767 with serine.
Molecular consequence: missense variant.
Genome position (GRCh38, 1-based): chr13:32,363,501, C>T. VCF-style: chr13-32363501-C-T. GRCh37 (hg19) VCF-style: chr13-32937638-C-T.
Other names: short protein forms P2767S.
Identifiers: ClinVar variation 142656 (VCV000142656.18), dbSNP rs587782619, ClinGen allele CA025557.

ClinVar aggregate classification (germline): Conflicting classifications of pathogenicity. Review status: criteria provided, conflicting classifications (1 of 4 stars). 6 submissions from 6 submitters: Uncertain significance (5); Likely benign (1). Last evaluated 2025-07-29.

Conditions:
Hereditary cancer-predisposing syndrome. Also called: Neoplastic Syndromes, Hereditary; Hereditary Cancer Syndrome; Hereditary neoplastic syndrome; Tumor predisposition. Identifiers: Orphanet 140162, MedGen C0027672, MeSH D009386, MONDO:0015356.
Hereditary breast ovarian cancer syndrome. Also called: Hereditary breast and ovarian cancer syndrome; Hereditary breast and/or ovarian cancer syndrome; BRCA1- and BRCA2-Associated Hereditary Breast and Ovarian Cancer; Hereditary breast and ovarian cancer; Breast and ovarian cancer; Hereditary breast and ovarian cancer syndrome (HBOC). Identifiers: Orphanet 145, MedGen C0677776, MeSH D061325, MONDO:0003582. Disease mechanism: loss of function.
Breast-ovarian cancer, familial, susceptibility to, 2 (BROVCA2). Also called: BRCA2 Hereditary Breast and Ovarian Cancer. Identifiers: Orphanet 145, MedGen C2675520, MONDO:0012933, OMIM 612555. Disease mechanism: loss of function.

gnomAD v4.1: 1 of 1,613,968 alleles (0.000062%); highest among the groups gnomAD compares: Non-Finnish European, 0.000085%; no homozygotes.

Submissions (6):

Labcorp Genetics (formerly Invitae), Labcorp
Classification: Uncertain significance for Hereditary breast ovarian cancer syndrome. Last evaluated: 2025-07-29. Review status: criteria provided, single submitter. Criteria: Invitae Variant Classification Sherloc (09022015). Collection method: clinical testing. Allele origin: germline.
Comment: This sequence change replaces proline, which is neutral and non-polar, with serine, which is neutral and polar, at codon 2767 of the BRCA2 protein (p.Pro2767Ser). This variant is not present in population databases (gnomAD no frequency). This missense change has been observed in individual(s) with personal or family history of breast and/or ovarian cancer (PMID: 31569370, 32438681, 32854451, 34178674). ClinVar contains an entry for this variant (Variation ID: 142656). Invitae Evidence Modeling incorporating data from in vitro experimental studies (PMID: 33609447) indicates that this missense variant is not expected to disrupt BRCA2 function with a negative predictive value of 95%. Experimental studies are conflicting or provide insufficient evidence to determine the effect of this variant on BRCA2 function (PMID: 31569370, 37731132). In summary, the available evidence is currently insufficient to determine the role of this variant in disease. Therefore, it has been classified as a Variant of Uncertain Significance.

Color Diagnostics, LLC DBA Color Health
Classification: Uncertain significance for Hereditary cancer-predisposing syndrome. Last evaluated: 2025-05-28. Review status: criteria provided, single submitter. Criteria: ACMG Guidelines, 2015. Collection method: clinical testing. Allele origin: germline.
Comment: This missense variant replaces proline with serine at codon 2767 of the BRCA2 protein. Computational prediction suggests that this variant may have deleterious impact on protein structure and function. Functional studies have reported that this variant does not impact BRCA2 function in a homology-directed DNA repair assay (PMID: 33609447, 35736817), a haploid cell proliferation assay (PMID: 39779857) and in sensitivity assays to cisplatin and PARP inhibitor (PMID: 39779848). This variant has been reported in three individuals affected with breast or ovarian cancer (PMID: 32438681, 32854451) and in two unaffected individuals (PMID: 30287823, 31214711, 32980694). This variant has not been identified in the general population by the Genome Aggregation Database (gnomAD). The available evidence is insufficient to determine the role of this variant in disease conclusively. Therefore, this variant is classified as a Variant of Uncertain Significance.

All of Us Research Program, National Institutes of Health
Classification: Uncertain significance for Breast-ovarian cancer, familial, susceptibility to, 2. Last evaluated: 2023-04-03. Review status: criteria provided, single submitter. Criteria: ACMG Guidelines, 2015. Collection method: clinical testing. Allele origin: germline. Inheritance: Autosomal dominant inheritance. Observed: 1 variant allele, 1 heterozygote.
Comment: This missense variant replaces proline with serine at codon 2767 of the BRCA2 protein. Computational prediction suggests that this variant may have deleterious impact on protein structure and function (internally defined REVEL score threshold >= 0.7, PMID: 27666373). A functional study has shown that this variant does not impact homology-directed DNA repair activity (PMID: 35736817). This variant has been reported in three individuals affected with breast or ovarian cancer (PMID: 32438681, 32854451) and in two unaffected individuals (PMID: 30287823, 31214711, 32980694). This variant has not been identified in the general population by the Genome Aggregation Database (gnomAD). The available evidence is insufficient to determine the role of this variant in disease conclusively. Therefore, this variant is classified as a Variant of Uncertain Significance.

This study involves interpretation of variants in research participants for the purpose of population health screening. Participant phenotype was not available at the time of variant classification. Additional details can be found in publication PMID: 35346344, PMCID: PMC8962531

Ambry Genetics
Classification: Likely benign for Hereditary cancer-predisposing syndrome. Last evaluated: 2020-02-25. Review status: criteria provided, single submitter. Criteria: Ambry Variant Classification Scheme 2023. Collection method: clinical testing. Allele origin: germline.

GeneDx
Classification: Uncertain significance. Last evaluated: 2016-05-13. Review status: criteria provided, single submitter. Criteria: GeneDx Variant Classification (06012015). Collection method: clinical testing. Allele origin: germline. Affected: yes.
Comment: This variant is denoted BRCA2 c.8299C>T at the cDNA level, p.Pro2767Ser (P2767S) at the protein level, and results in the change of a Proline to a Serine (CCT>TCT). Using alternate nomenclature, this variant would be defined as BRCA2 8527C>T. This variant has not, to our knowledge, been published in the literature as pathogenic or benign. BRCA2 Pro2767Ser was not observed in approximately 6,500 individuals of European and African American ancestry in the NHLBI Exome Sequencing Project, suggesting it is not a common benign variant in these populations. Since Proline and Serine differ in polarity, charge, size or other properties, this is considered a non-conservative amino acid substitution. BRCA2 Pro2767Ser occurs at a position that is conserved across species and is located in the SHFM1 binding domain (Marston 1999). In silico analyses predict that this variant is probably damaging to protein structure and function. Based on currently available evidence, it is unclear whether BRCA2 Pro2767Ser is a pathogenic or benign variant. We consider it to be a variant of uncertain significance.

Women's Health and Genetics/Laboratory Corporation of America, LabCorp
Classification: Uncertain significance. Last evaluated: 2015-10-22. Review status: criteria provided, single submitter. Criteria: LabCorp Variant Classification Summary - May 2015. Collection method: clinical testing. Allele origin: germline.
Comment: Variant summary: BRCA2 c.8299C>T affects a conserved nucleotide, resulting in amino acid change from Pro to Ser. 5/5 in-silico tools predict this variant to be damaging. One reputable diagnostic lab classifies the variant as a VUS. Because of the absence of clinical information and the lack of functional studies, the variant was classified as a variant of uncertain significance (VUS) until additional information becomes available.

Literature cited by the submitters: PubMed 31569370 (cited by Labcorp Genetics (formerly Invitae), Labcorp and Ambry Genetics); PubMed 32438681 (cited by 3 submitters); PubMed 32854451 (cited by 3 submitters); PubMed 34178674 (cited by Labcorp Genetics (formerly Invitae), Labcorp); PubMed 33609447 (cited by Labcorp Genetics (formerly Invitae), Labcorp and Color Diagnostics, LLC DBA Color Health); PubMed 37731132 (cited by Labcorp Genetics (formerly Invitae), Labcorp); PubMed 30287823 (cited by Color Diagnostics, LLC DBA Color Health and All of Us Research Program, National Institutes of Health); PubMed 31214711 (cited by Color Diagnostics, LLC DBA Color Health and All of Us Research Program, National Institutes of Health); PubMed 32980694 (cited by Color Diagnostics, LLC DBA Color Health and All of Us Research Program, National Institutes of Health); PubMed 35736817 (cited by Color Diagnostics, LLC DBA Color Health and All of Us Research Program, National Institutes of Health); PubMed 39779848 (cited by Color Diagnostics, LLC DBA Color Health); PubMed 39779857 (cited by Color Diagnostics, LLC DBA Color Health).